The following is an entry in ClinVar:

ClinVar aggregate classification (germline): Uncertain significance (1 of 4 stars; one submission).

Submission:

GeneDx
Classification: Uncertain significance. Last evaluated: 2023-07-20. Review status: criteria provided, single submitter. Criteria: GeneDx Variant Classification Process June 2021. Collection method: clinical testing. Allele origin: germline. Affected: yes.
Comment: Not observed at significant frequency in large population cohorts (gnomAD); In silico analysis supports that this missense variant has a deleterious effect on protein structure/function; Has not been previously published as pathogenic or benign to our knowledge

NM_021956.5(GRIK2):c.1196T>G (p.Leu399Arg)

Gene: GRIK2 (glutamate ionotropic receptor kainate type subunit 2; plus strand). Cytogenetic location: 6q16.3.
Variant type: single nucleotide variant.
Coding change: c.1196T>G on transcript NM_021956.5 (MANE Select); coding-DNA position 1196, T replaced by G.
Protein change: p.Leu399Arg; replaces leucine 399 with arginine.
Molecular consequence: missense variant.
Genome position (GRCh38, 1-based): chr6:101,802,431, T>G. VCF-style: chr6-101802431-T-G. GRCh37 (hg19) VCF-style: chr6-102250306-T-G.
Other names: c.1196T>G, p.Leu399Arg (NM_001166247.1, NM_175768.3); short protein forms L399R.
Identifiers: ClinVar variation 3361253 (VCV003361253.1).
Genomic context (GRCh38, chr6:101,802,431, plus strand): 5'-AAACCAATGGCTTGAGAACAGATTTTGATTTGGATGTGATCAGTCTGAAGGAAGAAGGTC[T>G]AGAAAAGGTATTTCAGTGAGCTTATTTGCTTTAATTACTAAATGAAACATATCTCAAAGA-3'
Protein context (NP_068775.1, residues 389-409): LDVISLKEEG[Leu399Arg]EKIGTWDPAS